The following is an entry in ClinVar:

ClinVar aggregate classification (germline): Likely benign. Review status: criteria provided, single submitter (1 of 4 stars). 2 submissions from 2 submitters: Likely benign (1). 1 of the submissions does not count toward it. Last evaluated 2025-10-27.

Conditions:
Ullrich congenital muscular dystrophy 2 (UCMD2). Identifiers: Orphanet 75840, MedGen C4225314, MONDO:0014654, OMIM 616470.
Bethlem myopathy 2 (BTHLM2). Identifiers: Orphanet 536516, Orphanet 610, MedGen C4225313, MONDO:0034022, OMIM 616471.
COL12A1-related disorder. Also called: COL12A1-related condition.

Allele frequency attached by ClinVar (database versions not stated): TOPMed below 0.00001.

Submissions (2):

Labcorp Genetics (formerly Invitae), Labcorp
Classification: Likely benign for Bethlem myopathy 2; Ullrich congenital muscular dystrophy 2. Last evaluated: 2025-10-27. Review status: criteria provided, single submitter. Criteria: Invitae Variant Classification Sherloc (09022015). Collection method: clinical testing. Allele origin: germline.

PreventionGenetics, part of Exact Sciences
Classification: Likely benign for COL12A1-related condition. Last evaluated: 2020-09-01. Review status: no assertion criteria provided. Collection method: clinical testing. Allele origin: germline. Not counted in ClinVar's aggregate classification.
Comment: This variant is classified as likely benign based on ACMG/AMP sequence variant interpretation guidelines (Richards et al. 2015 PMID: 25741868, with internal and published modifications).

NM_004370.6(COL12A1):c.1288+9A>G

Gene: COL12A1 (collagen type XII alpha 1 chain; minus strand). Cytogenetic location: 6q13.
Variant type: single nucleotide variant.
Coding change: c.1288+9A>G on transcript NM_004370.6 (MANE Select); 9 bases into the intron after coding-DNA position 1288, A replaced by G.
Molecular consequence: intron variant.
Genome position (GRCh38, 1-based): chr6:75,183,845, T>C on the plus strand (A>G on the coding strand, the complement: COL12A1 is on the minus strand). VCF-style: chr6-75183845-T-C. GRCh37 (hg19) VCF-style: chr6-75893561-T-C.
Other names: c.73+18875A>G (NM_001424116.1, NM_080645.3); c.1288+9A>G (NM_001424115.1, NM_001424114.1, NM_001424113.1).
Identifiers: ClinVar variation 3032482 (VCV003032482.3), dbSNP rs1769464887, ClinGen allele CA1638975844.